The following is an entry in ClinVar:

ClinVar aggregate classification (germline): Benign/Likely benign. Review status: criteria provided, multiple submitters, no conflicts (2 of 4 stars). 7 submissions from 7 submitters: Benign (6); Likely benign (1). Last evaluated 2026-08-01.

Allele frequency attached by ClinVar (database versions not stated): 1000 Genomes Project 30x 0.00375; 1000 Genomes Project 0.00399; TOPMed 0.00579; ESP Exome Variant Server 0.00699; gnomAD 0.00713 and 0.00746.
gnomAD v4.1: 12,697 of 1,612,442 alleles (0.79%); highest among the groups gnomAD compares: Non-Finnish European, 0.88%; 58 homozygotes.

Submissions (7):

CeGaT Center for Human Genetics Tuebingen
Classification: Likely benign. Last evaluated: 2026-08-01. Review status: criteria provided, single submitter. Criteria: CeGaT Center For Human Genetics Tuebingen Variant Classification Criteria Version 2. Collection method: clinical testing. Allele origin: germline. Affected: yes. Observed: 23 variant alleles.
Comment: PCDH15: BP4, BP7, BS2

Labcorp Genetics (formerly Invitae), Labcorp
Classification: Benign. Last evaluated: 2026-01-15. Review status: criteria provided, single submitter. Criteria: Invitae Variant Classification Sherloc (09022015). Collection method: clinical testing. Allele origin: germline.

ARUP Laboratories, Molecular Genetics and Genomics, ARUP Laboratories
Classification: Benign. Last evaluated: 2023-09-18. Review status: criteria provided, single submitter. Criteria: ARUP Molecular Germline Variant Investigation Process 2024. Collection method: clinical testing. Allele origin: germline.

GeneDx
Classification: Benign. Last evaluated: 2018-07-02. Review status: criteria provided, single submitter. Criteria: GeneDx Variant Classification Process June 2021. Collection method: clinical testing. Allele origin: germline. Affected: yes.

Eurofins Ntd Llc (ga)
Classification: Benign. Last evaluated: 2016-02-11. Review status: criteria provided, single submitter. Criteria: EGL Classification Definitions 2015. Collection method: clinical testing. Allele origin: germline. Observed: 1 variant allele, 1 heterozygote.

Laboratory for Molecular Medicine, Mass General Brigham Personalized Medicine
Classification: Benign. Last evaluated: 2012-04-30. Review status: criteria provided, single submitter. Criteria: LMM Criteria. Collection method: clinical testing. Allele origin: germline. Observed: 14 variant alleles.
Comment: Ala1766Ala in Exon 37A of PCDH15: This variant is not expected to have clinical significance because it does not alter an amino acid residue, is not located wit hin the splice consensus sequence, and has been identified in 0.7% (40/5446) of European American chromosomes from a broad population by the NHLBI Exome Sequenc ing Project (dbSNP rs139441645).

Breakthrough Genomics
Classification: Benign. Review status: criteria provided, single submitter. Criteria: ACMG Guidelines, 2015. Collection method: not provided. Allele origin: germline. Inheritance: Autosomal recessive inheritance. Affected: yes.

NM_001384140.1(PCDH15):c.4672-1637G>A

Gene: PCDH15 (protocadherin related 15; minus strand). Cytogenetic location: 10q21.1.
Variant type: single nucleotide variant.
Coding change: c.4672-1637G>A on transcript NM_001384140.1 (MANE Select); 1637 bases into the intron before coding-DNA position 4672, G replaced by A.
Molecular consequence: intron variant. On other transcripts: synonymous variant (2), 3 prime UTR variant (1).
Genome position (GRCh38, 1-based): chr10:53,808,767, C>T on the plus strand (G>A on the coding strand, the complement: PCDH15 is on the minus strand). VCF-style: chr10-53808767-C-T. GRCh37 (hg19) VCF-style: chr10-55568527-C-T.
Other names: c.5298G>A, p.Ala1766= (NM_001142769.4); c.*713G>A (NM_001142770.3); c.5277G>A, p.Ala1759= (NM_001354411.2); c.4477-1637G>A (NM_001354420.2); c.4606-1637G>A (NM_001354429.2); c.4483-1637G>A (NM_001142772.2); c.4498-1637G>A (NM_001142771.2).
Identifiers: ClinVar variation 44037 (VCV000044037.53), dbSNP rs139441645, ClinGen allele CA133440.
Genomic context (GRCh38, chr10:53,808,767, plus strand): 5'-GTAACCTTCAGAGTTTGCTCCTGGCGACTTCTTTTGGTTTGCATTCTTGCTTCTGTCATA[C>T]GCTGGTACCTGATAGCCCCATGGACCTCCAGACTGACTTTCGCTACTACTGCTACTACTA-3'